The following is an entry in ClinVar:

ClinVar aggregate classification (germline): Likely benign (1 of 4 stars; one submission).

gnomAD v4.1: 3,862 of 763,798 alleles (0.51%); highest among the groups gnomAD compares: Non-Finnish European, 0.67%; 21 homozygotes.

Submissions (6):

CeGaT Center for Human Genetics Tuebingen
Classification: Likely benign. Last evaluated: 2024-10-01. Review status: criteria provided, single submitter. Criteria: CeGaT Center For Human Genetics Tuebingen Variant Classification Criteria Version 2. Collection method: clinical testing. Allele origin: germline. Affected: yes. Observed: 1 variant allele.
Comment: ENSG00000289750: BS2

Dr. Peter K. Rogan Lab, Western University
No classification provided (evidence only). Condition: Cervical cancer. Review status: no classification provided. Collection method: in vitro. Allele origin: not applicable. Functional consequence: retained intron. Not counted in ClinVar's aggregate classification.

Dr. Peter K. Rogan Lab, Western University
No classification provided (evidence only). Condition: Sarcoma. Review status: no classification provided. Collection method: in vitro. Allele origin: not applicable. Functional consequence: retained intron. Not counted in ClinVar's aggregate classification.

Dr. Peter K. Rogan Lab, Western University
No classification provided (evidence only). Condition: Malignant tumor of esophagus. Review status: no classification provided. Collection method: in vitro. Allele origin: not applicable. Functional consequence: retained intron. Not counted in ClinVar's aggregate classification.

Dr. Peter K. Rogan Lab, Western University
No classification provided (evidence only). Condition: Malignant tumor of esophagus. Review status: no classification provided. Collection method: in vitro. Allele origin: not applicable. Functional consequence: retained intron. Not counted in ClinVar's aggregate classification.

Dr. Peter K. Rogan Lab, Western University
No classification provided (evidence only). Condition: Malignant tumor of esophagus. Review status: no classification provided. Collection method: in vitro. Allele origin: not applicable. Functional consequence: retained intron. Not counted in ClinVar's aggregate classification.

NM_022340.4(RBSN):c.-152G>A

Gene: RBSN (rabenosyn, RAB effector; minus strand). Cytogenetic location: 3p25.1.
Variant type: single nucleotide variant.
Coding change: c.-152G>A on transcript NM_022340.4 (MANE Select); 152 bases upstream of the start codon, G replaced by A.
Molecular consequence: 5 prime UTR variant. On other transcripts: non-coding transcript variant (1).
Genome position (GRCh38, 1-based): chr3:15,096,272, C>T on the plus strand (G>A on the coding strand, the complement: RBSN is on the minus strand). VCF-style: chr3-15096272-C-T. GRCh37 (hg19) VCF-style: chr3-15137779-C-T.
Other names: NC_000003.11:g.15137779C>T; c.-152G>A (NM_001302378.2).
Identifiers: ClinVar variation 3341587 (VCV003341587.17).